The following is an entry in ClinVar:

NM_001943.5(DSG2):c.2717T>C (p.Ile906Thr)

Genes: DSG2 (desmoglein 2; plus strand), DSG2-AS1 (DSG2 antisense RNA 1; minus strand). Cytogenetic location: 18q12.1.
Variant type: single nucleotide variant.
Coding change: c.2717T>C on transcript NM_001943.5 (MANE Select); coding-DNA position 2717, T replaced by C.
Protein change: p.Ile906Thr; replaces isoleucine 906 with threonine.
Molecular consequence: missense variant.
Genome position (GRCh38, 1-based): chr18:31,546,103, T>C. VCF-style: chr18-31546103-T-C. GRCh37 (hg19) VCF-style: chr18-29126066-T-C.
Other names: short protein forms I906T.
Identifiers: ClinVar variation 5035621 (VCV005035621.1).

ClinVar aggregate classification (germline): Uncertain significance (1 of 4 stars; one submission).

Conditions:
Cardiovascular phenotype. Identifiers: MedGen CN230736.

gnomAD v4.1: 2 of 1,614,024 alleles (0.00012%); highest among the groups gnomAD compares: African/African-American, 0.0013%; no homozygotes.

Submission:

Ambry Genetics
Classification: Uncertain significance for Cardiovascular phenotype. Last evaluated: 2026-09-14. Review status: criteria provided, single submitter. Criteria: Ambry Variant Classification Scheme 2023. Collection method: clinical testing. Allele origin: germline.
Comment: The p.I906T variant (also known as c.2717T>C), located in coding exon 15 of the DSG2 gene, results from a T to C substitution at nucleotide position 2717. The isoleucine at codon 906 is replaced by threonine, an amino acid with similar properties. This amino acid position is conserved. In addition, this alteration is predicted to be tolerated by in silico analysis. Based on the available evidence, the clinical significance of this variant remains unclear.